The following is an entry in ClinVar:

NM_006922.4(SCN3A):c.2000C>T (p.Thr667Ile)

Gene: SCN3A (sodium voltage-gated channel alpha subunit 3; minus strand). Cytogenetic location: 2q24.3.
Variant type: single nucleotide variant.
Coding change: c.2000C>T on transcript NM_006922.4 (MANE Select); coding-DNA position 2000, C replaced by T.
Protein change: p.Thr667Ile; replaces threonine 667 with isoleucine.
Molecular consequence: missense variant. On other transcripts: intron variant (2).
Genome position (GRCh38, 1-based): chr2:165,140,670, G>A on the plus strand (C>T on the coding strand, the complement: SCN3A is on the minus strand). VCF-style: chr2-165140670-G-A. GRCh37 (hg19) VCF-style: chr2-165997180-G-A.
Other names: c.1872+128C>T (NM_001081676.2, NM_001081677.2); short protein forms T667I.
Identifiers: ClinVar variation 4800250 (VCV004800250.1).

ClinVar aggregate classification (germline): Uncertain significance (1 of 4 stars; one submission).

Submission:

Labcorp Genetics (formerly Invitae), Labcorp
Classification: Uncertain significance. Last evaluated: 2026-02-03. Review status: criteria provided, single submitter. Criteria: Invitae Variant Classification Sherloc (09022015). Collection method: clinical testing. Allele origin: germline.
Comment: This sequence change replaces threonine, which is neutral and polar, with isoleucine, which is neutral and non-polar, at codon 667 of the SCN3A protein (p.Thr667Ile). This variant is not present in population databases (gnomAD no frequency). This variant has not been reported in the literature in individuals affected with SCN3A-related conditions. Invitae Evidence Modeling of protein sequence and biophysical properties (such as structural, functional, and spatial information, amino acid conservation, physicochemical variation, residue mobility, and thermodynamic stability) indicates that this missense variant is not expected to disrupt SCN3A protein function with a negative predictive value of 95%. In summary, the available evidence is currently insufficient to determine the role of this variant in disease. Therefore, it has been classified as a Variant of Uncertain Significance.